The following is an entry in ClinVar:

NC_000011.10:g.47346652A>G

Gene: MYBPC3 (myosin binding protein C3; minus strand). Cytogenetic location: 11p11.2.
Variant type: single nucleotide variant.
Genome position: GRCh38 VCF-style: chr11-47346652-A-G. GRCh37 (hg19) VCF-style: chr11-47368203-A-G.
Other names: c.909-8T>C (LRG_386t1, NM_000256.3).
Identifiers: ClinVar variation 495780 (VCV000495780.11), dbSNP rs1260212325, ClinGen allele CA599059506.

ClinVar aggregate classification (germline): Likely benign. Review status: criteria provided, multiple submitters, no conflicts (2 of 4 stars). 3 submissions from 3 submitters: Likely benign (3). Last evaluated 2025-04-28.

Conditions:
Cardiomyopathy (CMYO). Also called: Cardiomyopathies. Identifiers: Orphanet 167848, MedGen C0878544, MONDO:0004994, HP:0001638. Inheritance: Various modes of inheritance.
Hypertrophic cardiomyopathy. Also called: HYPERTROPHIC MYOCARDIOPATHY. Identifiers: Orphanet 217569, MedGen C0007194, MeSH D002312, MONDO:0005045, HP:0001639.

Submissions (3):

Women's Health and Genetics/Laboratory Corporation of America, LabCorp
Classification: Likely benign. Last evaluated: 2025-04-28. Review status: criteria provided, single submitter. Criteria: LabCorp Variant Classification Summary - May 2015. Collection method: clinical testing. Allele origin: germline.
Comment: Variant summary: MYBPC3 c.909-8T>C alters a non-conserved nucleotide located at a position not widely known to affect splicing. Consensus agreement among computation tools predict no significant impact on normal splicing. However, these predictions have yet to be confirmed by functional studies. The frequency data for this variant in gnomAD is considered unreliable, as metrics indicate poor data quality at this position. To our knowledge, no occurrence of c.909-8T>C in individuals affected with Cardiomyopathy and no experimental evidence demonstrating its impact on protein function have been reported. ClinVar contains an entry for this variant (Variation ID: 495780). Based on the evidence outlined above, the variant was classified as likely benign.

CHEO Genetics Diagnostic Laboratory, Children's Hospital of Eastern Ontario
Classification: Likely benign for Cardiomyopathy. Last evaluated: 2020-05-11. Review status: criteria provided, single submitter. Criteria: ACMG Guidelines, 2015. Collection method: clinical testing. Allele origin: germline.

Labcorp Genetics (formerly Invitae), Labcorp
Classification: Likely benign for Hypertrophic cardiomyopathy. Last evaluated: 2017-11-06. Review status: criteria provided, single submitter. Criteria: Invitae Variant Classification Sherloc (09022015). Collection method: clinical testing. Allele origin: germline.